The following is an entry in ClinVar:

NM_004370.6(COL12A1):c.7698-19C>G

Gene: COL12A1 (collagen type XII alpha 1 chain; minus strand). Cytogenetic location: 6q13.
Variant type: single nucleotide variant.
Coding change: c.7698-19C>G on transcript NM_004370.6 (MANE Select); 19 bases into the intron before coding-DNA position 7698, C replaced by G.
Molecular consequence: intron variant.
Genome position (GRCh38, 1-based): chr6:75,113,763, G>C on the plus strand (C>G on the coding strand, the complement: COL12A1 is on the minus strand). VCF-style: chr6-75113763-G-C. GRCh37 (hg19) VCF-style: chr6-75823479-G-C.
Other names: c.4206-19C>G (NM_001424116.1, NM_080645.3); c.7425-19C>G (NM_001424115.1); c.7677-19C>G (NM_001424114.1); c.7698-19C>G (NM_001424113.1).
Identifiers: ClinVar variation 4848342 (VCV004848342.1).
Genomic context (GRCh38, chr6:75,113,763, plus strand): 5'-ATAATCGTGTATGAAGGAGGGAGTCCATTTGGGTGTAGGTCTCTGTTGGATAAAACAAAA[G>C]AAAGAAAAAGGAGAGGAAAGAAAAAAAGAAAGGAAGAAAGAAAGATTGATTGCTTTAACA-3'

ClinVar aggregate classification (germline): Likely benign (1 of 4 stars; one submission).

Submission:

Women's Health and Genetics/Laboratory Corporation of America, LabCorp
Classification: Likely benign. Last evaluated: 2026-04-21. Review status: criteria provided, single submitter. Criteria: LabCorp Variant Classification Summary - May 2015. Collection method: clinical testing. Allele origin: germline.
Comment: Variant summary: COL12A1 c.7698-19C>G alters a nucleotide located at a position not widely known to affect splicing. Consensus agreement among computation tools predict no significant impact on normal splicing. However, these predictions have yet to be confirmed by functional studies. The frequency data for this variant in gnomAD is considered unreliable, as metrics indicate poor data quality at this position. To our knowledge, no occurrence of c.7698-19C>G in individuals affected with COL12A1-related conditions and no experimental evidence demonstrating its impact on protein function have been reported. No submitters have cited clinical-significance assessments for this variant to ClinVar. Based on the evidence outlined above, the variant was classified as likely benign.